The following is an entry in ClinVar:

ClinVar aggregate classification (germline): Uncertain significance (1 of 4 stars; one submission).

Conditions:
Curry-Hall syndrome (WAD). Also called: WEYERS ACRODENTAL DYSOSTOSIS. Identifiers: Orphanet 952, MedGen C0457013, MONDO:0008673, OMIM 193530.
Ellis-van Creveld syndrome (EVC). Also called: EVC-Related Ellis-van Creveld Syndrome; EVC2-Related Ellis-van Creveld Syndrome; MESOECTODERMAL DYSPLASIA; Chondroectodermal dysplasia. Identifiers: Orphanet 289, MedGen C0013903, MONDO:0009162, OMIM 225500.

gnomAD v4.1: 6 of 1,612,736 alleles (0.00037%); highest among the groups gnomAD compares: Non-Finnish European, 0.00051%; no homozygotes.

Submission:

Labcorp Genetics (formerly Invitae), Labcorp
Classification: Uncertain significance for Curry-Hall syndrome; Ellis-van Creveld syndrome. Last evaluated: 2024-09-18. Review status: criteria provided, single submitter. Criteria: Invitae Variant Classification Sherloc (09022015). Collection method: clinical testing. Allele origin: germline.
Comment: This sequence change replaces isoleucine, which is neutral and non-polar, with valine, which is neutral and non-polar, at codon 154 of the EVC2 protein (p.Ile154Val). This variant is not present in population databases (gnomAD no frequency). This variant has not been reported in the literature in individuals affected with EVC2-related conditions. An algorithm developed to predict the effect of missense changes on protein structure and function outputs the following: PolyPhen-2: "Benign". The valine amino acid residue is found in multiple mammalian species, which suggests that this missense change does not adversely affect protein function. In summary, the available evidence is currently insufficient to determine the role of this variant in disease. Therefore, it has been classified as a Variant of Uncertain Significance.

NM_147127.5(EVC2):c.460A>G (p.Ile154Val)

Gene: EVC2 (EvC ciliary complex subunit 2; minus strand). Cytogenetic location: 4p16.2.
Variant type: single nucleotide variant.
Coding change: c.460A>G on transcript NM_147127.5 (MANE Select); coding-DNA position 460, A replaced by G.
Protein change: p.Ile154Val; replaces isoleucine 154 with valine.
Molecular consequence: missense variant.
Genome position (GRCh38, 1-based): chr4:5,691,324, T>C on the plus strand (A>G on the coding strand, the complement: EVC2 is on the minus strand). VCF-style: chr4-5691324-T-C. GRCh37 (hg19) VCF-style: chr4-5693051-T-C.
Other names: c.220A>G, p.Ile74Val (NM_001166136.2); short protein forms I154V, I74V.
Identifiers: ClinVar variation 3763552 (VCV003763552.2).
Genomic context (GRCh38, chr4:5,691,324, plus strand): 5'-CCAGTGCACATTTCTGAAAAATTACTCCATTTTCAGAAGTCCCTTGAACTTCTCTTGAAA[T>C]GTCCCCATACTACAATAAAATGTAAAAGTTATTAGAAAATGAGAAATATTTCATGCTATA-3'
Protein context (NP_667338.3, residues 144-164): SPITHRLYGD[Ile154Val]SREVQGTSEN